The following is an entry in ClinVar:

ClinVar aggregate classification (germline): Uncertain significance (1 of 4 stars; one submission).

gnomAD v4.1: 6 of 1,613,944 alleles (0.00037%); highest among the groups gnomAD compares: East Asian, 0.013%; no homozygotes.

Submission:

Labcorp Genetics (formerly Invitae), Labcorp
Classification: Uncertain significance. Last evaluated: 2025-09-24. Review status: criteria provided, single submitter. Criteria: Invitae Variant Classification Sherloc (09022015). Collection method: clinical testing. Allele origin: germline.
Comment: This sequence change replaces isoleucine, which is neutral and non-polar, with threonine, which is neutral and polar, at codon 598 of the SLC12A6 protein (p.Ile598Thr). This variant is present in population databases (no rsID available, gnomAD 0.02%). This variant has not been reported in the literature in individuals affected with SLC12A6-related conditions. Invitae Evidence Modeling of protein sequence and biophysical properties (such as structural, functional, and spatial information, amino acid conservation, physicochemical variation, residue mobility, and thermodynamic stability) indicates that this missense variant is expected to disrupt SLC12A6 protein function with a positive predictive value of 80%. In summary, the available evidence is currently insufficient to determine the role of this variant in disease. Therefore, it has been classified as a Variant of Uncertain Significance.

NM_001365088.1(SLC12A6):c.1793T>C (p.Ile598Thr)

Gene: SLC12A6 (solute carrier family 12 member 6; minus strand). Cytogenetic location: 15q14.
Variant type: single nucleotide variant.
Coding change: c.1793T>C on transcript NM_001365088.1 (MANE Select); coding-DNA position 1793, T replaced by C.
Protein change: p.Ile598Thr; replaces isoleucine 598 with threonine.
Molecular consequence: missense variant.
Genome position (GRCh38, 1-based): chr15:34,245,724, A>G on the plus strand (T>C on the coding strand, the complement: SLC12A6 is on the minus strand). VCF-style: chr15-34245724-A-G. GRCh37 (hg19) VCF-style: chr15-34537925-A-G.
Other names: c.1616T>C, p.Ile539Thr (NM_001042494.2, NM_001042495.2); c.1766T>C, p.Ile589Thr (NM_001042496.2); c.1748T>C, p.Ile583Thr (NM_001042497.2); c.1640T>C, p.Ile547Thr (NM_005135.2); c.1793T>C, p.Ile598Thr (NM_133647.2); short protein forms I583T, I589T, I598T, I547T, I539T.
Identifiers: ClinVar variation 4706194 (VCV004706194.1).
Genomic context (GRCh38, chr15:34,245,724, plus strand): 5'-AGAAGAGGGCATAATAAAAGGTCACTCACCCTCAGAAACGGTATGATGTTATCCTTGGCA[A>G]TAGCTTGTAGCAGCCTCGGTGCACCTGTGAGGCTCTGAAGTCCAGCCCCACATGTTGAAA-3'
Protein context (NP_001352017.1, residues 588-608): LTGAPRLLQA[Ile598Thr]AKDNIIPFLR